The following is an entry in ClinVar:

NM_001256545.2(MEGF10):c.476T>C (p.Leu159Pro)

Gene: MEGF10 (multiple EGF like domains 10; plus strand). Cytogenetic location: 5q23.2.
Variant type: single nucleotide variant.
Coding change: c.476T>C on transcript NM_001256545.2 (MANE Select); coding-DNA position 476, T replaced by C.
Protein change: p.Leu159Pro; replaces leucine 159 with proline.
Molecular consequence: missense variant.
Genome position (GRCh38, 1-based): chr5:127,396,595, T>C. VCF-style: chr5-127396595-T-C. GRCh37 (hg19) VCF-style: chr5-126732287-T-C.
Other names: c.476T>C, p.Leu159Pro (NM_001308119.2, NM_001308121.2, NM_032446.3); short protein forms L159P.
Identifiers: ClinVar variation 1363469 (VCV001363469.8), dbSNP rs2126921767, ClinGen allele CA360718182.

ClinVar aggregate classification (germline): Uncertain significance (1 of 4 stars; one submission).

Conditions:
MEGF10-related myopathy (CMYO10A). Also called: Congenital myopathy 10A, severe variant. Identifiers: Orphanet 439212, MedGen C3280679, MONDO:0013731, OMIM 614399.

Allele frequency attached by ClinVar (database versions not stated): gnomAD exomes below 0.00001.
gnomAD v4.1: 1 of 1,606,822 alleles (0.000062%); highest among the groups gnomAD compares: Non-Finnish European, 0.000085%; no homozygotes.

Submission:

Labcorp Genetics (formerly Invitae), Labcorp
Classification: Uncertain significance for MEGF10-related myopathy. Last evaluated: 2021-06-25. Review status: criteria provided, single submitter. Criteria: Invitae Variant Classification Sherloc (09022015). Collection method: clinical testing. Allele origin: germline.
Comment: This sequence change replaces leucine with proline at codon 159 of the MEGF10 protein (p.Leu159Pro). The leucine residue is highly conserved and there is a moderate physicochemical difference between leucine and proline. This variant is not present in population databases (ExAC no frequency). This variant has not been reported in the literature in individuals with MEGF10-related conditions. Algorithms developed to predict the effect of missense changes on protein structure and function (SIFT, PolyPhen-2, Align-GVGD) all suggest that this variant is likely to be disruptive, but these predictions have not been confirmed by published functional studies and their clinical significance is uncertain. In summary, the available evidence is currently insufficient to determine the role of this variant in disease. Therefore, it has been classified as a Variant of Uncertain Significance.